The following is an entry in ClinVar:

ClinVar aggregate classification (germline): Likely benign. Review status: criteria provided, multiple submitters, no conflicts (2 of 4 stars). 5 submissions from 5 submitters: Likely benign (4). 1 of the submissions does not count toward it. Last evaluated 2026-08-01.

Conditions:
HERC1-related disorder. Also called: HERC1-related condition.
Macrocephaly, dysmorphic facies, and psychomotor retardation (MDFPMR). Identifiers: Orphanet 457359, MedGen C4310766, MONDO:0014863, OMIM 617011.

Allele frequency attached by ClinVar (database versions not stated): 1000 Genomes Project 0.00040; 1000 Genomes Project 30x 0.00047; gnomAD exomes 0.00075 and 0.00159; gnomAD 0.00079 and 0.00081; ExAC 0.00085; TOPMed 0.00095; ESP Exome Variant Server 0.00107.
gnomAD v4.1: 2,435 of 1,613,088 alleles (0.15%); highest among the groups gnomAD compares: Non-Finnish European, 0.19%; 4 homozygotes.

Submissions (5):

CeGaT Center for Human Genetics Tuebingen
Classification: Likely benign. Last evaluated: 2026-08-01. Review status: criteria provided, single submitter. Criteria: CeGaT Center For Human Genetics Tuebingen Variant Classification Criteria Version 2. Collection method: clinical testing. Allele origin: germline. Affected: yes. Observed: 6 variant alleles.
Comment: HERC1: BP4, BP7

Labcorp Genetics (formerly Invitae), Labcorp
Classification: Likely benign. Last evaluated: 2025-11-08. Review status: criteria provided, single submitter. Criteria: Invitae Variant Classification Sherloc (09022015). Collection method: clinical testing. Allele origin: germline.

Blueprint Genetics
Classification: Likely benign. Last evaluated: 2024-11-13. Review status: criteria provided, single submitter. Criteria: ACMG Guidelines, 2015. Collection method: clinical testing. Allele origin: germline.

Fulgent Genetics
Classification: Likely benign for Macrocephaly, dysmorphic facies, and psychomotor retardation. Last evaluated: 2022-05-03. Review status: criteria provided, single submitter. Criteria: ACMG Guidelines, 2015. Collection method: clinical testing. Allele origin: unknown.

PreventionGenetics, part of Exact Sciences
Classification: Likely benign for HERC1-related condition. Last evaluated: 2019-09-10. Review status: no assertion criteria provided. Collection method: clinical testing. Allele origin: germline. Not counted in ClinVar's aggregate classification.
Comment: This variant is classified as likely benign based on ACMG/AMP sequence variant interpretation guidelines (Richards et al. 2015 PMID: 25741868, with internal and published modifications).

NM_003922.4(HERC1):c.6195A>G (p.Thr2065=)

Gene: HERC1 (HECT and RLD domain containing E3 ubiquitin protein ligase family member 1; minus strand). Cytogenetic location: 15q22.31.
Variant type: single nucleotide variant.
Coding change: c.6195A>G on transcript NM_003922.4 (MANE Select); coding-DNA position 6195, A replaced by G.
Protein change: p.Thr2065=; no amino-acid change (threonine 2065 retained).
Molecular consequence: synonymous variant.
Genome position (GRCh38, 1-based): chr15:63,686,389, T>C on the plus strand (A>G on the coding strand, the complement: HERC1 is on the minus strand). VCF-style: chr15-63686389-T-C. GRCh37 (hg19) VCF-style: chr15-63978588-T-C.
Identifiers: ClinVar variation 714628 (VCV000714628.46), dbSNP rs182614197, ClinGen allele CA7605374.